The following is an entry in ClinVar:

ClinVar aggregate classification (germline): Uncertain significance (1 of 4 stars; one submission).

Conditions:
Primary familial hypertrophic cardiomyopathy (HCM). Identifiers: Orphanet 99739, MedGen C0949658, MeSH D024741, MONDO:0024573. Inheritance: Various modes of inheritance.

Submission:

Labcorp Genetics (formerly Invitae), Labcorp
Classification: Uncertain significance for Primary familial hypertrophic cardiomyopathy. Last evaluated: 2024-11-09. Review status: criteria provided, single submitter. Criteria: Invitae Variant Classification Sherloc (09022015). Collection method: clinical testing. Allele origin: germline.
Comment: This sequence change creates a premature translational stop signal (p.Val137Argfs*40) in the ILK gene. It is expected to result in an absent or disrupted protein product. However, the current clinical and genetic evidence is not sufficient to establish whether loss-of-function variants in ILK cause disease. This variant is not present in population databases (gnomAD no frequency). This variant has not been reported in the literature in individuals affected with ILK-related conditions. In summary, the available evidence is currently insufficient to determine the role of this variant in disease. Therefore, it has been classified as a Variant of Uncertain Significance.

NM_004517.4(ILK):c.409_446del (p.Val137fs)

Genes: TAF10 (TATA-box binding protein associated factor 10; minus strand), ILK (integrin linked kinase; plus strand). Cytogenetic location: 11p15.4.
Variant type: Deletion.
Coding change: c.409_446del on transcript NM_004517.4 (MANE Select); coding-DNA positions 409 to 446, 38 bases deleted.
Protein change: p.Val137fs; shifts the reading frame from valine 137.
Molecular consequence: frameshift variant. On other transcripts: 3 prime UTR variant (1), intron variant (1).
Genome position (GRCh38, 1-based): chr11:6,608,751-6,608,788, 38 bases deleted. GRCh37 (hg19): chr11:6,629,981-6,630,018.
Other names: c.409_446del, p.Val137fs (NM_001014794.3, NM_001014795.3); c.7_44del, p.Val3fs (NM_001278442.2); c.*2134_*2171del (NM_006284.4); c.352-133_352-96del (NM_001278441.2); short protein forms V137fs, V3fs.
Identifiers: ClinVar variation 3654413 (VCV003654413.2).
Genomic context (GRCh38, chr11:6,608,750, plus strand): 5'-CCAGGACCTGGTGGCAAATGGGGCCCTTGTCAGCATCTGTAACAAGTATGGAGAGATGCC[TGTGGACAAAGCCAAGGCACCCCTGAGAGAGCTTCTCCG>T]AGGTCCATCTCCCCATCCCCTAGCTTGTGTCCTCTCGTCCCTTCCCACCTGTCTTCTCCC-3'